The following is an entry in ClinVar:

NM_003105.6(SORL1):c.1397A>G (p.Asn466Ser)

Gene: SORL1 (sortilin related receptor 1; plus strand). Cytogenetic location: 11q24.1.
Variant type: single nucleotide variant.
Coding change: c.1397A>G on transcript NM_003105.6 (MANE Select); coding-DNA position 1397, A replaced by G.
Protein change: p.Asn466Ser; replaces asparagine 466 with serine.
Molecular consequence: missense variant.
Genome position (GRCh38, 1-based): chr11:121,520,842, A>G. VCF-style: chr11-121520842-A-G. GRCh37 (hg19) VCF-style: chr11-121391551-A-G.
Other names: short protein forms N466S.
Identifiers: ClinVar variation 4753226 (VCV004753226.1).

ClinVar aggregate classification (germline): Uncertain significance (1 of 4 stars; one submission).

gnomAD v4.1: 13 of 1,591,080 alleles (0.00082%); highest among the groups gnomAD compares: East Asian, 0.018%; no homozygotes.

Submission:

Labcorp Genetics (formerly Invitae), Labcorp
Classification: Uncertain significance. Last evaluated: 2025-09-20. Review status: criteria provided, single submitter. Criteria: Invitae Variant Classification Sherloc (09022015). Collection method: clinical testing. Allele origin: germline.
Comment: This sequence change replaces asparagine, which is neutral and polar, with serine, which is neutral and polar, at codon 466 of the SORL1 protein (p.Asn466Ser). This variant is present in population databases (rs377405996, gnomAD 0.06%). This missense change has been observed in individuals with clinical features of early onset Alzheimer disease (PMID: 34119275; internal data). An algorithm developed to predict the effect of missense changes on protein structure and function outputs the following: PolyPhen-2: "Benign". The serine amino acid residue is found in multiple mammalian species, which suggests that this missense change does not adversely affect protein function. In summary, the available evidence is currently insufficient to determine the role of this variant in disease. Therefore, it has been classified as a Variant of Uncertain Significance.

Literature cited by the submitters: PubMed 34119275.